The following is an entry in ClinVar:

NM_148960.3(CLDN19):c.83C>T (p.Pro28Leu)

Gene: CLDN19 (claudin 19; minus strand). Cytogenetic location: 1p34.2.
Variant type: single nucleotide variant.
Coding change: c.83C>T on transcript NM_148960.3 (MANE Select); coding-DNA position 83, C replaced by T.
Protein change: p.Pro28Leu; replaces proline 28 with leucine.
Molecular consequence: missense variant.
Genome position (GRCh38, 1-based): chr1:42,739,981, G>A on the plus strand (C>T on the coding strand, the complement: CLDN19 is on the minus strand). VCF-style: chr1-42739981-G-A. GRCh37 (hg19) VCF-style: chr1-43205652-G-A.
Other names: c.83C>T, p.Pro28Leu (NM_001123395.2, NM_001185117.2); short protein forms P28L.
Identifiers: ClinVar variation 1333489 (VCV001333489.3), dbSNP rs553635114, ClinGen allele CA801478.

ClinVar aggregate classification (germline): Likely pathogenic. Review status: criteria provided, multiple submitters, no conflicts (2 of 4 stars). 2 submissions from 2 submitters: Likely pathogenic (2). Last evaluated 2024-04-17.

Conditions:
Renal hypomagnesemia 5 with ocular involvement. Also called: HYPOMAGNESEMIA 5, RENAL, WITH OR WITHOUT OCULAR INVOLVEMENT; FHHNC WITH SEVERE OCULAR INVOLVEMENT; HYPOMAGNESEMIA, FAMILIAL, WITH HYPERCALCIURIA, NEPHROCALCINOSIS, AND SEVERE OCULAR INVOLVEMENT; MACULAR COLOBOMA, BILATERAL, WITH HYPERCALCIURIA. Identifiers: Orphanet 2196, MedGen C4721891, MONDO:0009548, OMIM 248190.

Allele frequency attached by ClinVar (database versions not stated): gnomAD exomes below 0.00001; gnomAD 0.00001; TOPMed 0.00001; ExAC 0.00002; 1000 Genomes Project 30x 0.00016; 1000 Genomes Project 0.00020.

Submissions (2):

Fulgent Genetics
Classification: Likely pathogenic for Renal hypomagnesemia 5 with ocular involvement. Last evaluated: 2024-04-17. Review status: criteria provided, single submitter. Criteria: ACMG Guidelines, 2015. Collection method: clinical testing. Allele origin: germline.

3billion
Classification: Likely pathogenic for Renal hypomagnesemia 5 with ocular involvement. Last evaluated: 2022-01-03. Review status: criteria provided, single submitter. Criteria: ACMG Guidelines, 2015. Collection method: clinical testing. Allele origin: germline. Affected: yes. Observed: 1 heterozygote.
Comment: The variant has been reported to be in trans with a pathogenic variant as either compound heterozygous or homozygous in at least one similarly affected unrelated individual (PMID: 22422540, PM3_M). In silico tool predictions suggest damaging effect of the variant on gene or gene product (REVEL: 0.859, 3CNET: 0.86, PP3_P). A missense variant is a common mechanism associated with Hypomagnesemia 5 (PP2_P). It is observed at an extremely low frequency in the gnomAD v2.1.1 dataset (total allele frequency: 0.000005, PM2_M). Therefore, this variant is classified as likely pathogenic according to the recommendation of ACMG/AMP guideline.

Literature cited by the submitters: PubMed 22422540 (cited by 3billion).